The following is an entry in ClinVar:

ClinVar aggregate classification (germline): Pathogenic (1 of 4 stars; one submission).

Conditions:
Hyperphosphatasia with impaired intellectual development syndrome 2. Also called: Hyperphosphatasia with intellectual disability syndrome 2; GLYCOSYLPHOSPHATIDYLINOSITOL BIOSYNTHESIS DEFECT 6. Identifiers: Orphanet 247262, MedGen C3553637, MONDO:0013882, OMIM 614749.

Submission:

Labcorp Genetics (formerly Invitae), Labcorp
Classification: Pathogenic for Hyperphosphatasia with impaired intellectual development syndrome 2. Last evaluated: 2025-07-15. Review status: criteria provided, single submitter. Criteria: Invitae Variant Classification Sherloc (09022015). Collection method: clinical testing. Allele origin: germline.
Comment: This sequence change creates a premature translational stop signal (p.Leu10Trpfs*65) in the PIGO gene. It is expected to result in an absent or disrupted protein product. Loss-of-function variants in PIGO are known to be pathogenic (PMID: 22683086, 24417746). The frequency data for this variant in the population databases is considered unreliable, as metrics indicate poor data quality at this position in the gnomAD database. This variant has not been reported in the literature in individuals affected with PIGO-related conditions. ClinVar contains an entry for this variant (Variation ID: 2415324). For these reasons, this variant has been classified as Pathogenic.

Literature cited by the submitters: PubMed 22683086; PubMed 24417746.

NM_032634.4(PIGO):c.28del (p.Leu10fs)

Gene: PIGO (phosphatidylinositol glycan anchor biosynthesis class O; minus strand). Cytogenetic location: 9p13.3.
Variant type: Deletion.
Coding change: c.28del on transcript NM_032634.4 (MANE Select); coding-DNA position 28, one base deleted (C; older notation c.28delC).
Protein change: p.Leu10fs; shifts the reading frame from leucine 10.
Molecular consequence: frameshift variant.
Genome position (GRCh38, 1-based): chr9:35,095,538, G deleted on the plus strand (C on the coding strand, the reverse complement: PIGO is on the minus strand); the first of 2 consecutive G bases (chr9:35,095,538-35,095,539); deleting either gives the same sequence. VCF-style (leftmost placement, unchanged base first): chr9-35095537-AG-A. GRCh37 (hg19) VCF-style: chr9-35095534-AG-A.
Other names: c.28del, p.Leu10fs (NM_001201484.2, NM_152850.4); short protein forms L10fs.
Identifiers: ClinVar variation 2415324 (VCV002415324.6), dbSNP rs756803653, ClinGen allele CA5041020.
Genomic context (GRCh38, chr9:35,095,537, plus strand): 5'-AGCAGGAAGCCACTGGTGAAGAGGGCAATGCCAGCGTAGAAGAGGAAGCAGACCCAGGCC[AG>A]GAAGAGCAACACTGAGGCTTTCTGCATCCTGATAGGGGTGGGGAAGTAAATTCATTACTG-3'